The following is an entry in ClinVar:

ClinVar aggregate classification (germline): Benign. Review status: criteria provided, single submitter (1 of 4 stars). 2 submissions from 2 submitters: Benign (1). 1 of the submissions does not count toward it. Last evaluated 2026-01-11.

Conditions:
FERMT1-related disorder. Also called: FERMT1-related condition.

Allele frequency attached by ClinVar (database versions not stated): gnomAD exomes 0.00002 and 0.00012; gnomAD 0.00005; ExAC 0.00009; TOPMed 0.00011; ESP Exome Variant Server 0.00023.
gnomAD v4.1: 38 of 1,613,740 alleles (0.0024%); highest among the groups gnomAD compares: Admixed American, 0.032%; no homozygotes.

Submissions (2):

Labcorp Genetics (formerly Invitae), Labcorp
Classification: Benign. Last evaluated: 2026-01-11. Review status: criteria provided, single submitter. Criteria: Invitae Variant Classification Sherloc (09022015). Collection method: clinical testing. Allele origin: germline.

PreventionGenetics, part of Exact Sciences
Classification: Likely benign for FERMT1-related condition. Last evaluated: 2024-05-25. Review status: no assertion criteria provided. Collection method: clinical testing. Allele origin: germline. Not counted in ClinVar's aggregate classification.
Comment: This variant is classified as likely benign based on ACMG/AMP sequence variant interpretation guidelines (Richards et al. 2015 PMID: 25741868, with internal and published modifications).

NM_017671.5(FERMT1):c.1035G>A (p.Ala345=)

Gene: FERMT1 (FERM domain containing kindlin 1; minus strand). Cytogenetic location: 20p12.3.
Variant type: single nucleotide variant.
Coding change: c.1035G>A on transcript NM_017671.5 (MANE Select); coding-DNA position 1035, G replaced by A.
Protein change: p.Ala345=; no amino-acid change (alanine 345 retained).
Molecular consequence: synonymous variant.
Genome position (GRCh38, 1-based): chr20:6,096,956, C>T on the plus strand (G>A on the coding strand, the complement: FERMT1 is on the minus strand). VCF-style: chr20-6096956-C-T. GRCh37 (hg19) VCF-style: chr20-6077603-C-T.
Other names: c.1035G>A (NM_017671.4).
Identifiers: ClinVar variation 1656205 (VCV001656205.9), dbSNP rs141793633, ClinGen allele CA9758273.
Genomic context (GRCh38, chr20:6,096,956, plus strand): 5'-TCATACCAAAAGGCTGTCCGCTTTTCCACCTTCTAGGGTTACTTCCAAATTAGAAAGCGC[C>T]GCTTCTATTTCATCAACCTCGGACTCGCCTGCAAAATCCTGTGTTTCAGCAGACAACGAC-3'
Protein context (NP_060141.3, residues 335-355): AGESEVDEIE[Ala345=]ALSNLEVTLE